The following is an entry in ClinVar:

ClinVar aggregate classification (germline): Uncertain significance (1 of 4 stars; one submission).

Conditions:
Fanconi anemia complementation group B (FANCB). Also called: FANCONI PANCYTOPENIA, TYPE 2; FANCB-Related Fanconi Anemia. Identifiers: Orphanet 84, MedGen C1845292, MONDO:0010351, OMIM 300514.

Submission:

Baylor Genetics
Classification: Uncertain significance for Fanconi anemia complementation group B. Last evaluated: 2019-03-27. Review status: criteria provided, single submitter. Criteria: ACMG Guidelines, 2015. Collection method: clinical testing. Allele origin: maternal. Affected: yes. Study: CSER-TexasKidsCanSeq.
Comment: This variant was determined to be of uncertain significance according to ACMG Guidelines, 2015 [PMID:25741868].

NM_001018113.3(FANCB):c.2224T>C (p.Cys742Arg)

Gene: FANCB (FA complementation group B; minus strand). Cytogenetic location: Xp22.2.
Variant type: single nucleotide variant.
Coding change: c.2224T>C on transcript NM_001018113.3 (MANE Select); coding-DNA position 2224, T replaced by C.
Protein change: p.Cys742Arg; replaces cysteine 742 with arginine.
Molecular consequence: missense variant.
Genome position (GRCh38, 1-based): chrX:14,843,923, A>G on the plus strand (T>C on the coding strand, the complement: FANCB is on the minus strand). VCF-style: chrX-14843923-A-G. GRCh37 (hg19) VCF-style: chrX-14862045-A-G.
Other names: c.2224T>C, p.Cys742Arg (NM_001324162.2, NM_152633.4); short protein forms C742R.
Identifiers: ClinVar variation 997556 (VCV000997556.2), dbSNP rs2092364017, ClinGen allele CA412437891.